The following is an entry in ClinVar:

ClinVar aggregate classification (germline): Uncertain significance (1 of 4 stars; one submission).

Conditions:
Congenital fibrosis of extraocular muscles. Also called: Congenital Fibrosis of the Extraocular Muscles. Identifiers: Orphanet 45358, MedGen C1302995, MONDO:0007614, HP:0001491.

Submission:

Broad Center for Mendelian Genomics, Broad Institute of MIT and Harvard
Classification: Uncertain significance for Congenital fibrosis of extraocular muscles. Last evaluated: 2024-02-26. Review status: criteria provided, single submitter. Criteria: ACMG Guidelines, 2015. Collection method: curation. Allele origin: germline. Inheritance: Autosomal dominant inheritance.
Comment: Trio exome analysis showed this variant to be de novo. While this gene is still lacking sufficient evidence to establish a gene-disease association, we believe this is a possible novel gene candidate for CFEOM. Given the limited information about this gene-disease relationship, the significance of the p.Arg45Trp variant is uncertain. If you have any additional information about functional evidence or other individuals with this phenotype that also have variants in FGF21 we encourage you to reach out to the Engle Lab.

NM_019113.4(FGF21):c.133C>T (p.Arg45Trp)

Genes: FGF21 (fibroblast growth factor 21; plus strand), LOC109279247 (FGF21/FUT1 promoter region; plus strand). Cytogenetic location: 19q13.33.
Variant type: single nucleotide variant.
Coding change: c.133C>T on transcript NM_019113.4 (MANE Select); coding-DNA position 133, C replaced by T.
Protein change: p.Arg45Trp; replaces arginine 45 with tryptophan.
Molecular consequence: missense variant.
Genome position (GRCh38, 1-based): chr19:48,756,369, C>T. VCF-style: chr19-48756369-C-T. GRCh37 (hg19) VCF-style: chr19-49259626-C-T.
Other names: NM_019113.4:c.133C>T; short protein forms R45W.
Identifiers: ClinVar variation 3024396 (VCV003024396.1), dbSNP rs551483904, ClinGen allele CA9557899.